The following is an entry in ClinVar:

NM_001267550.2(TTN):c.836G>C (p.Arg279Pro)

Gene: TTN (titin; minus strand). Cytogenetic location: 2q31.2.
Variant type: single nucleotide variant.
Coding change: c.836G>C on transcript NM_001267550.2 (MANE Select); coding-DNA position 836, G replaced by C.
Protein change: p.Arg279Pro; replaces arginine 279 with proline.
Molecular consequence: missense variant.
Genome position (GRCh38, 1-based): chr2:178,799,565, C>G on the plus strand (G>C on the coding strand, the complement: TTN is on the minus strand). VCF-style: chr2-178799565-C-G. GRCh37 (hg19) VCF-style: chr2-179664292-C-G.
Other names: c.836G>C, p.Arg279Pro (NM_001256850.1, NM_003319.4, NM_133378.4 and 3 more transcripts); short protein forms R279P.
Identifiers: ClinVar variation 4540083 (VCV004540083.1).
Genomic context (GRCh38, chr2:178,799,565, plus strand): 5'-GGTGCCCGCACGTGTCTGACCGGGGAAGGGGAGTGTCTTATGGGCGATGGGGACTGCTGC[C>G]GAGCCAGCTGTGCTTTGGCAGCAATAGACGGTGGTGTTGGGGATCTTGACTTTGGCTTCG-3'
Protein context (NP_001254479.2, residues 269-289): PSIAAKAQLA[Arg279Pro]QQSPSPIRHS

ClinVar aggregate classification (germline): Uncertain significance (1 of 4 stars; one submission).

gnomAD v4.1: 1 of 1,614,138 alleles (0.000062%); highest among the groups gnomAD compares: Non-Finnish European, 0.000085%; no homozygotes.

Submission:

GeneDx
Classification: Uncertain significance. Last evaluated: 2025-06-20. Review status: criteria provided, single submitter. Criteria: GeneDx Variant Classification Process June 2021. Collection method: clinical testing. Allele origin: germline. Affected: yes.
Comment: Not observed at significant frequency in large population cohorts (gnomAD); Missense variant in a gene in which most reported pathogenic variants are truncating/loss of function; Has not been previously published as pathogenic or benign to our knowledge